The following is an entry in ClinVar:

ClinVar aggregate classification (germline): Uncertain significance (0 of 4 stars; one submission).

Conditions:
AFF4-related disorder. Also called: AFF4-related condition.

gnomAD v4.1: 12 of 1,614,020 alleles (0.00074%); no homozygotes.

Submission:

PreventionGenetics, part of Exact Sciences
Classification: Uncertain significance for AFF4-related condition. Last evaluated: 2024-05-06. Review status: no assertion criteria provided. Collection method: clinical testing. Allele origin: germline.
Comment: The AFF4 c.677T>C variant is predicted to result in the amino acid substitution p.Val226Ala. To our knowledge, this variant has not been reported in the literature. This variant is reported in 0.030% of alleles in individuals of Ashkenazi Jewish descent in gnomAD, which may be too frequent to be a primary cause of autosomal dominant disease. Although we suspect that this variant may be benign, at this time, the clinical significance of this variant is uncertain due to the absence of conclusive functional and genetic evidence.

NM_014423.4(AFF4):c.677T>C (p.Val226Ala)

Gene: AFF4 (ALF transcription elongation factor 4; minus strand). Cytogenetic location: 5q31.1.
Variant type: single nucleotide variant.
Coding change: c.677T>C on transcript NM_014423.4 (MANE Select); coding-DNA position 677, T replaced by C.
Protein change: p.Val226Ala; replaces valine 226 with alanine.
Molecular consequence: missense variant.
Genome position (GRCh38, 1-based): chr5:132,934,388, A>G on the plus strand (T>C on the coding strand, the complement: AFF4 is on the minus strand). VCF-style: chr5-132934388-A-G. GRCh37 (hg19) VCF-style: chr5-132270080-A-G.
Other names: short protein forms V226A.
Identifiers: ClinVar variation 3353148 (VCV003353148.1).